The following is an entry in ClinVar:

ClinVar aggregate classification (germline): Conflicting classifications of pathogenicity. Review status: criteria provided, conflicting classifications (1 of 4 stars). 5 submissions from 5 submitters: Uncertain significance (2); Likely benign (3). Last evaluated 2026-02-18.

Conditions:
TTN-related disorder. Also called: TTN-related condition; TTN-related disease; TTN-related disorders.

Allele frequency attached by ClinVar (database versions not stated): ExAC 0.00004; gnomAD exomes 0.00004; gnomAD 0.00010; TOPMed 0.00012; ESP Exome Variant Server 0.00025.
gnomAD v4.1: 48 of 1,613,670 alleles (0.003%); highest among the groups gnomAD compares: African/African-American, 0.032%; 1 homozygote.

Submissions (5):

PreventionGenetics, part of Exact Sciences
Classification: Uncertain significance for TTN-related condition. Last evaluated: 2026-02-18. Review status: criteria provided, single submitter. Criteria: ACMG Guidelines, 2015. Collection method: clinical testing. Allele origin: germline.
Comment: The TTN c.13090G>A variant is predicted to result in the amino acid substitution p.Val4364Met. To our knowledge, this variant has not been reported in the literature. This variant is reported in 0.037% of alleles in individuals of African descent in gnomAD. At this time, the clinical significance of this variant is uncertain due to the absence of conclusive functional and genetic evidence.

Blueprint Genetics
Classification: Likely benign. Last evaluated: 2021-07-02. Review status: criteria provided, single submitter. Criteria: ACMG Guidelines, 2015. Collection method: clinical testing. Allele origin: germline.

GeneDx
Classification: Likely benign. Last evaluated: 2017-08-24. Review status: criteria provided, single submitter. Criteria: GeneDx Variant Classification (06012015). Collection method: clinical testing. Allele origin: germline. Affected: yes.
Comment: This variant is considered likely benign or benign based on one or more of the following criteria: it is a conservative change, it occurs at a poorly conserved position in the protein, it is predicted to be benign by multiple in silico algorithms, and/or has population frequency not consistent with disease.

Eurofins Ntd Llc (ga)
Classification: Uncertain significance. Last evaluated: 2016-08-18. Review status: criteria provided, single submitter. Criteria: EGL Classification Definitions 2015. Collection method: clinical testing. Allele origin: germline. Observed: 1 variant allele, 1 heterozygote.

Laboratory for Molecular Medicine, Mass General Brigham Personalized Medicine
Classification: Likely benign. Last evaluated: 2014-07-24. Review status: criteria provided, single submitter. Criteria: LMM Criteria. Collection method: clinical testing. Allele origin: germline. Observed: 2 variant alleles.
Comment: Val4126Met in exon 45B of TTN: This variant is not expected to have clinical sig nificance due to a lack of conservation across species, including mammals. Of no te, >20 mammals have a methionine (Met) at this position despite high nearby ami no acid conservation. This variant has also been identified in 3/3706 African A merican chromosomes by the NHLBI Exome Sequencing Project (dbSNP rs201506104).

NM_001267550.2(TTN):c.13090G>A (p.Val4364Met)

Gene: TTN (titin; minus strand). Cytogenetic location: 2q31.2.
Variant type: single nucleotide variant.
Coding change: c.13090G>A on transcript NM_001267550.2 (MANE Select); coding-DNA position 13090, G replaced by A.
Protein change: p.Val4364Met; replaces valine 4364 with methionine.
Molecular consequence: missense variant. On other transcripts: intron variant (1).
Genome position (GRCh38, 1-based): chr2:178,740,143, C>T on the plus strand (G>A on the coding strand, the complement: TTN is on the minus strand). VCF-style: chr2-178740143-C-T. GRCh37 (hg19) VCF-style: chr2-179604870-C-T.
Other names: c.12139G>A, p.Val4047Met (NM_001256850.1); c.12376G>A, p.Val4126Met (NM_133432.3); c.12001G>A, p.Val4001Met (NM_003319.4); c.12577G>A, p.Val4193Met (NM_133437.4); c.10361-1783G>A (NM_133378.4); short protein forms V4364M, V4126M, V4047M, V4001M, V4193M.
Identifiers: ClinVar variation 47833 (VCV000047833.11), dbSNP rs201506104, ClinGen allele CA142008.